The following is an entry in ClinVar:

NM_000535.7(PMS2):c.-2C>A

Gene: PMS2 (PMS1 homolog 2, mismatch repair system component; minus strand). Cytogenetic location: 7p22.1.
Variant type: single nucleotide variant.
Coding change: c.-2C>A on transcript NM_000535.7 (MANE Select); 2 bases upstream of the start codon, C replaced by A.
Molecular consequence: 5 prime UTR variant. On other transcripts: non-coding transcript variant (1).
Genome position (GRCh38, 1-based): chr7:6,009,021, G>T on the plus strand (C>A on the coding strand, the complement: PMS2 is on the minus strand). VCF-style: chr7-6009021-G-T. GRCh37 (hg19) VCF-style: chr7-6048652-G-T.
Other names: c.-402C>A (NM_001322013.2, NM_001018040.1, NM_001322003.2 and 5 more transcripts); c.-2C>A (NM_001322014.2, NM_001406866.1, NM_001406868.1 and 11 more transcripts); c.-481C>A (NM_001322015.2); c.-267C>A (NM_001322004.2, NM_001322010.2, NM_001406911.1); c.-597C>A (NM_001322005.2); c.-217C>A (NM_001322007.2, NM_001406876.1, NM_001406896.1 and 2 more transcripts); c.-77C>A (NM_001322008.2); c.-592C>A (NM_001322009.2, NM_001406897.1); and 19 more.
Identifiers: ClinVar variation 822528 (VCV000822528.5), dbSNP rs876658209, ClinGen allele CA915944843.

ClinVar aggregate classification (germline): Uncertain significance (1 of 4 stars; one submission).

Conditions:
Hereditary cancer-predisposing syndrome. Also called: Tumor predisposition; Hereditary Cancer Syndrome; Neoplastic Syndromes, Hereditary; Hereditary neoplastic syndrome. Identifiers: Orphanet 140162, MedGen C0027672, MeSH D009386, MONDO:0015356.

Allele frequency attached by ClinVar (database versions not stated): gnomAD exomes below 0.00001; TOPMed below 0.00001.
gnomAD v4.1: 1 of 1,612,586 alleles (0.000062%); highest among the groups gnomAD compares: Non-Finnish European, 0.000085%; no homozygotes.

Submission:

Ambry Genetics
Classification: Uncertain significance for Hereditary cancer-predisposing syndrome. Last evaluated: 2025-01-13. Review status: criteria provided, single submitter. Criteria: Ambry Variant Classification Scheme 2023. Collection method: clinical testing. Allele origin: germline.
Comment: The c.-2C>A variant is located in the 5' untranslated region (5&rsquo; UTR) of the PMS2 gene. This variant results from a C to A substitution 2 bases upstream from the first translated codon. This nucleotide position is not well conserved in available vertebrate species. Based on the available evidence, the clinical significance of this variant remains unclear.